The following is an entry in ClinVar:

ClinVar aggregate classification (germline): Pathogenic (1 of 4 stars; one submission).

Submission:

Labcorp Genetics (formerly Invitae), Labcorp
Classification: Pathogenic. Last evaluated: 2022-12-06. Review status: criteria provided, single submitter. Criteria: Invitae Variant Classification Sherloc (09022015). Collection method: clinical testing. Allele origin: germline.
Comment: For these reasons, this variant has been classified as Pathogenic. This variant has not been reported in the literature in individuals affected with PAFAH1B1-related conditions. This variant is not present in population databases (gnomAD no frequency). This sequence change creates a premature translational stop signal (p.Tyr102*) in the PAFAH1B1 gene. It is expected to result in an absent or disrupted protein product. Loss-of-function variants in PAFAH1B1 are known to be pathogenic (PMID: 1671808, 11115846, 14581661).

Literature cited by the submitters: PubMed 1671808; PubMed 11115846; PubMed 14581661.

NM_000430.4(PAFAH1B1):c.306T>G (p.Tyr102Ter)

Gene: PAFAH1B1 (platelet activating factor acetylhydrolase 1b regulatory subunit 1; plus strand). Cytogenetic location: 17p13.3.
Variant type: single nucleotide variant.
Coding change: c.306T>G on transcript NM_000430.4 (MANE Select); coding-DNA position 306, T replaced by G.
Protein change: p.Tyr102Ter; replaces tyrosine 102 with a stop codon.
Molecular consequence: nonsense.
Genome position (GRCh38, 1-based): chr17:2,667,105, T>G. VCF-style: chr17-2667105-T-G. GRCh37 (hg19) VCF-style: chr17-2570399-T-G.
Other names: short protein forms Y102*.
Identifiers: ClinVar variation 2818970 (VCV002818970.3), dbSNP rs779519495, ClinGen allele CA397638861.